The following is an entry in ClinVar:

ClinVar aggregate classification (germline): Uncertain significance. Review status: criteria provided, multiple submitters, no conflicts (2 of 4 stars). 2 submissions from 2 submitters: Uncertain significance (2). Last evaluated 2025-07-02.

Conditions:
Inborn genetic diseases. Identifiers: MedGen C0950123, MeSH D030342.

gnomAD v4.1: 3 of 1,614,100 alleles (0.00019%); highest among the groups gnomAD compares: African/African-American, 0.0013%; no homozygotes.

Submissions (2):

Ambry Genetics
Classification: Uncertain significance for Inborn genetic diseases. Last evaluated: 2025-07-02. Review status: criteria provided, single submitter. Criteria: Ambry Variant Classification Scheme 2023. Collection method: clinical testing. Allele origin: germline.

Labcorp Genetics (formerly Invitae), Labcorp
Classification: Uncertain significance. Last evaluated: 2024-10-12. Review status: criteria provided, single submitter. Criteria: Invitae Variant Classification Sherloc (09022015). Collection method: clinical testing. Allele origin: germline.
Comment: This sequence change replaces aspartic acid, which is acidic and polar, with asparagine, which is neutral and polar, at codon 425 of the WFS1 protein (p.Asp425Asn). This variant is present in population databases (rs138042354, gnomAD 0.006%). This variant has not been reported in the literature in individuals affected with WFS1-related conditions. Invitae Evidence Modeling of protein sequence and biophysical properties (such as structural, functional, and spatial information, amino acid conservation, physicochemical variation, residue mobility, and thermodynamic stability) indicates that this missense variant is not expected to disrupt WFS1 protein function with a negative predictive value of 95%. In summary, the available evidence is currently insufficient to determine the role of this variant in disease. Therefore, it has been classified as a Variant of Uncertain Significance.

NM_006005.3(WFS1):c.1273G>A (p.Asp425Asn)

Gene: WFS1 (wolframin ER transmembrane glycoprotein; plus strand). Cytogenetic location: 4p16.1.
Variant type: single nucleotide variant.
Coding change: c.1273G>A on transcript NM_006005.3 (MANE Select); coding-DNA position 1273, G replaced by A.
Protein change: p.Asp425Asn; replaces aspartic acid 425 with asparagine.
Molecular consequence: missense variant.
Genome position (GRCh38, 1-based): chr4:6,301,068, G>A. VCF-style: chr4-6301068-G-A. GRCh37 (hg19) VCF-style: chr4-6302795-G-A.
Other names: c.1273G>A, p.Asp425Asn (NM_001145853.1); short protein forms D425N.
Identifiers: ClinVar variation 3686348 (VCV003686348.3).